The following is an entry in ClinVar:

NM_000215.4(JAK3):c.2134G>A (p.Gly712Ser)

Gene: JAK3 (Janus kinase 3; minus strand). Cytogenetic location: 19p13.11.
Variant type: single nucleotide variant.
Coding change: c.2134G>A on transcript NM_000215.4 (MANE Select); coding-DNA position 2134, G replaced by A.
Protein change: p.Gly712Ser; replaces glycine 712 with serine.
Molecular consequence: missense variant.
Genome position (GRCh38, 1-based): chr19:17,834,917, C>T on the plus strand (G>A on the coding strand, the complement: JAK3 is on the minus strand). VCF-style: chr19-17834917-C-T. GRCh37 (hg19) VCF-style: chr19-17945726-C-T.
Other names: c.2134G>A (NM_000215.3); short protein forms G712S.
Identifiers: ClinVar variation 1515055 (VCV001515055.3), dbSNP rs1178958564, ClinGen allele CA404767748.
Genomic context (GRCh38, chr19:17,834,917, plus strand): 5'-CAGGATCCAGGGCACTGATGGGCATGGTGACGCCACTAAACACTTCCCAGACCGTGGCGC[C>T]GAAGCCCCACTTGTCAGCTTCCAAGCTAAGTGTCTGCGCCTCCCGGAGACACTCGGGGGC-3'
Protein context (NP_000206.2, residues 702-722): LSLEADKWGF[Gly712Ser]ATVWEVFSGV

ClinVar aggregate classification (germline): Uncertain significance. Review status: criteria provided, multiple submitters, no conflicts (2 of 4 stars). 2 submissions from 2 submitters: Uncertain significance (2). Last evaluated 2023-06-23.

Conditions:
T-B+ severe combined immunodeficiency due to JAK3 deficiency. Also called: SCID, autosomal recessive, T-negative/B-positive type; SCID, T CELL-NEGATIVE, B CELL-POSITIVE, NK CELL-NEGATIVE. Identifiers: Orphanet 35078, MedGen C1833275, MONDO:0010938, OMIM 600802.
JAK3-related disorder. Also called: JAK3-related condition.

Allele frequency attached by ClinVar (database versions not stated): gnomAD 0.00001; gnomAD exomes 0.00001; TOPMed 0.00003.
gnomAD v4.1: 11 of 1,614,036 alleles (0.00068%); highest among the groups gnomAD compares: South Asian, 0.0022%; no homozygotes.

Submissions (2):

PreventionGenetics, part of Exact Sciences
Classification: Uncertain significance for JAK3-related condition. Last evaluated: 2023-06-23. Review status: criteria provided, single submitter. Criteria: ACMG Guidelines, 2015. Collection method: clinical testing. Allele origin: germline.
Comment: The JAK3 c.2134G>A variant is predicted to result in the amino acid substitution p.Gly712Ser. To our knowledge, this variant has not been reported in the literature. This variant is reported in 0.0065% of alleles in individuals of South Asian descent in gnomAD. At this time, the clinical significance of this variant is uncertain due to the absence of conclusive functional and genetic evidence.

Labcorp Genetics (formerly Invitae), Labcorp
Classification: Uncertain significance for T-B+ severe combined immunodeficiency due to JAK3 deficiency. Last evaluated: 2021-10-07. Review status: criteria provided, single submitter. Criteria: Invitae Variant Classification Sherloc (09022015). Collection method: clinical testing. Allele origin: germline.
Comment: This sequence change replaces glycine with serine at codon 712 of the JAK3 protein (p.Gly712Ser). The glycine residue is highly conserved and there is a small physicochemical difference between glycine and serine. This variant is not present in population databases (ExAC no frequency). This variant has not been reported in the literature in individuals affected with JAK3-related conditions. Algorithms developed to predict the effect of missense changes on protein structure and function are either unavailable or do not agree on the potential impact of this missense change (SIFT: "Deleterious"; PolyPhen-2: "Probably Damaging"; Align-GVGD: "Class C0"). In summary, the available evidence is currently insufficient to determine the role of this variant in disease. Therefore, it has been classified as a Variant of Uncertain Significance.